The following is an entry in ClinVar:

ClinVar aggregate classification (germline): Uncertain significance (1 of 4 stars; one submission).

Conditions:
Combined immunodeficiency with skin granulomas. Identifiers: Orphanet 157949, MedGen C2673536, MONDO:0009306, OMIM 233650.
Severe combined immunodeficiency, autosomal recessive, T cell-negative, B cell-negative, NK cell-positive. Also called: SCID, T CELL-NEGATIVE, B CELL-NEGATIVE, NK CELL-POSITIVE; Severe combined immunodeficiency due to complete RAG1/2 deficiency; SCID, AR, T-cell negative, B-cell negative, NK cell-positive. Identifiers: Orphanet 331206, MedGen C1832322, MONDO:0011086, OMIM 601457.

Submission:

Labcorp Genetics (formerly Invitae), Labcorp
Classification: Uncertain significance for Combined immunodeficiency with skin granulomas; Severe combined immunodeficiency, autosomal recessive, T cell-negative, B cell-negative, NK cell-positive. Last evaluated: 2020-12-28. Review status: criteria provided, single submitter. Criteria: Invitae Variant Classification Sherloc (09022015). Collection method: clinical testing. Allele origin: germline.
Comment: This variant has not been reported in the literature in individuals with RAG2-related conditions. This variant is not present in population databases (ExAC no frequency). This sequence change replaces leucine with isoleucine at codon 200 of the RAG2 protein (p.Leu200Ile). The leucine residue is highly conserved and there is a small physicochemical difference between leucine and isoleucine. Algorithms developed to predict the effect of missense changes on protein structure and function are either unavailable or do not agree on the potential impact of this missense change (SIFT: "Deleterious"; PolyPhen-2: "Probably Damaging"; Align-GVGD: "Class C0"). In summary, the available evidence is currently insufficient to determine the role of this variant in disease. Therefore, it has been classified as a Variant of Uncertain Significance.

NM_000536.4(RAG2):c.598C>A (p.Leu200Ile)

Gene: RAG2 (recombination activating 2; minus strand). Cytogenetic location: 11p12.
Variant type: single nucleotide variant.
Coding change: c.598C>A on transcript NM_000536.4 (MANE Select); coding-DNA position 598, C replaced by A.
Protein change: p.Leu200Ile; replaces leucine 200 with isoleucine.
Molecular consequence: missense variant.
Genome position (GRCh38, 1-based): chr11:36,593,571, G>T on the plus strand (C>A on the coding strand, the complement: RAG2 is on the minus strand). VCF-style: chr11-36593571-G-T. GRCh37 (hg19) VCF-style: chr11-36615121-G-T.
Other names: c.598C>A, p.Leu200Ile (NM_001243785.2, NM_001243786.2); short protein forms L200I.
Identifiers: ClinVar variation 1494093 (VCV001494093.8), dbSNP rs2133314147, ClinGen allele CA380142514.
Genomic context (GRCh38, chr11:36,593,571, plus strand): 5'-CTAAAATATAGATGGTGTCATTTTTGGCAATAGAGACATGAAAAGATAGCCCATCCTGAA[G>T]TTCTGGAAGAATGTATGATGTAGCACACCCAAATTCAAAATCCACCAGGAAAACACAGGG-3'
Protein context (NP_000527.2, residues 190-210): GCATSYILPE[Leu200Ile]QDGLSFHVSI